The following is an entry in ClinVar:

NM_017654.4(SAMD9):c.1963A>G (p.Ile655Val)

Gene: SAMD9 (sterile alpha motif domain containing 9; minus strand). Cytogenetic location: 7q21.2.
Variant type: single nucleotide variant.
Coding change: c.1963A>G on transcript NM_017654.4 (MANE Select); coding-DNA position 1963, A replaced by G.
Protein change: p.Ile655Val; replaces isoleucine 655 with valine.
Molecular consequence: missense variant.
Genome position (GRCh38, 1-based): chr7:93,104,135, T>C on the plus strand (A>G on the coding strand, the complement: SAMD9 is on the minus strand). VCF-style: chr7-93104135-T-C. GRCh37 (hg19) VCF-style: chr7-92733448-T-C.
Other names: c.1963A>G, p.Ile655Val (NM_001193307.2); short protein forms I655V.
Identifiers: ClinVar variation 4159176 (VCV004159176.1).

ClinVar aggregate classification (germline): Uncertain significance (1 of 4 stars; one submission).

Conditions:
Inborn genetic diseases. Identifiers: MedGen C0950123, MeSH D030342.

Submission:

Ambry Genetics
Classification: Uncertain significance for Inborn genetic diseases. Last evaluated: 2025-08-23. Review status: criteria provided, single submitter. Criteria: Ambry Variant Classification Scheme 2023. Collection method: clinical testing. Allele origin: germline.
Comment: The p.I655V variant (also known as c.1963A>G), located in coding exon 1 of the SAMD9 gene, results from an A to G substitution at nucleotide position 1963. The isoleucine at codon 655 is replaced by valine, an amino acid with highly similar properties. This amino acid position is conserved. In addition, this alteration is predicted to be tolerated by in silico analysis. Based on the available evidence, the clinical significance of this variant remains unclear.